The following is an entry in ClinVar:

ClinVar aggregate classification (germline): Uncertain significance (1 of 4 stars; one submission).

Conditions:
Benign neonatal seizures. Also called: Benign familial neonatal seizures; Benign familial neonatal epilepsy; Convulsions benign familial neonatal dominant form; Autosomal dominant form of benign neonatal seizures; Benign neonatal familial convulsions. Identifiers: Orphanet 1949, MedGen C0220669, MONDO:0016027.

gnomAD v4.1: 1 of 1,613,708 alleles (0.000062%); no homozygotes.

Submission:

Labcorp Genetics (formerly Invitae), Labcorp
Classification: Uncertain significance for Benign neonatal seizures. Last evaluated: 2025-01-17. Review status: criteria provided, single submitter. Criteria: Invitae Variant Classification Sherloc (09022015). Collection method: clinical testing. Allele origin: germline.
Comment: This sequence change replaces serine, which is neutral and polar, with threonine, which is neutral and polar, at codon 152 of the KCNQ3 protein (p.Ser152Thr). This variant is not present in population databases (gnomAD no frequency). This variant has not been reported in the literature in individuals affected with KCNQ3-related conditions. Invitae Evidence Modeling of protein sequence and biophysical properties (such as structural, functional, and spatial information, amino acid conservation, physicochemical variation, residue mobility, and thermodynamic stability) indicates that this missense variant is not expected to disrupt KCNQ3 protein function with a negative predictive value of 80%. In summary, the available evidence is currently insufficient to determine the role of this variant in disease. Therefore, it has been classified as a Variant of Uncertain Significance.

NM_004519.4(KCNQ3):c.454T>A (p.Ser152Thr)

Gene: KCNQ3 (potassium voltage-gated channel subfamily Q member 3; minus strand). Cytogenetic location: 8q24.22.
Variant type: single nucleotide variant.
Coding change: c.454T>A on transcript NM_004519.4 (MANE Select); coding-DNA position 454, T replaced by A.
Protein change: p.Ser152Thr; replaces serine 152 with threonine.
Molecular consequence: missense variant.
Genome position (GRCh38, 1-based): chr8:132,186,114, A>T on the plus strand (T>A on the coding strand, the complement: KCNQ3 is on the minus strand). VCF-style: chr8-132186114-A-T. GRCh37 (hg19) VCF-style: chr8-133198361-A-T.
Other names: c.94T>A, p.Ser32Thr (NM_001204824.2); short protein forms S32T, S152T.
Identifiers: ClinVar variation 3720498 (VCV003720498.2).